The following is an entry in ClinVar:

ClinVar aggregate classification (germline): Likely pathogenic. Review status: criteria provided, multiple submitters, no conflicts (2 of 4 stars). 4 submissions from 4 submitters: Likely pathogenic (3). 1 of the submissions does not count toward it. Last evaluated 2025-07-31.

Conditions:
Smith-Lemli-Opitz syndrome (SLOS). Also called: 7-Dehydrocholesterol reductase deficiency; LETHAL ACRODYSGENITAL SYNDROME; POLYDACTYLY, SEX REVERSAL, RENAL HYPOPLASIA, AND UNILOBAR LUNG; RSH SYNDROME; RUTLEDGE LETHAL MULTIPLE CONGENITAL ANOMALY SYNDROME. Identifiers: Orphanet 818, MedGen C0175694, MONDO:0010035, OMIM 270400.

Allele frequency attached by ClinVar (database versions not stated): ExAC 0.00002; gnomAD exomes 0.00001.
gnomAD v4.1: 14 of 1,609,902 alleles (0.00087%); highest among the groups gnomAD compares: Non-Finnish European, 0.001%; no homozygotes.

Submissions (4):

Natera, Inc.
Classification: Likely pathogenic for Smith-Lemli-Opitz syndrome. Last evaluated: 2025-07-31. Review status: criteria provided, single submitter. Criteria: Natera Variant Classification Schema (03/2026). Collection method: clinical testing. Allele origin: germline.
Comment: The c.413-2A>G variant in DHCR7 is a canonical splice acceptor site variant predicted to affect pre-mRNA splicing, which may result in an abnormal transcript and altered protein product. This variant is expected to result in nonsense mediated decay, truncation, or a dysfunctional protein product. This variant is rare in the general population with a frequency below the threshold expected for the associated phenotype(s). Given the available evidence, this variant is classified as Likely Pathogenic.

Fulgent Genetics
Classification: Likely pathogenic for Smith-Lemli-Opitz syndrome. Last evaluated: 2024-05-24. Review status: criteria provided, single submitter. Criteria: ACMG Guidelines, 2015. Collection method: clinical testing. Allele origin: germline.

Labcorp Genetics (formerly Invitae), Labcorp
Classification: Likely pathogenic for Smith-Lemli-Opitz syndrome. Last evaluated: 2023-03-04. Review status: criteria provided, single submitter. Criteria: Invitae Variant Classification Sherloc (09022015). Collection method: clinical testing. Allele origin: germline.
Comment: This variant is present in population databases (rs775575609, gnomAD 0.002%). In summary, the currently available evidence indicates that the variant is pathogenic, but additional data are needed to prove that conclusively. Therefore, this variant has been classified as Likely Pathogenic. Algorithms developed to predict the effect of sequence changes on RNA splicing suggest that this variant may disrupt the consensus splice site. ClinVar contains an entry for this variant (Variation ID: 549919). This variant has not been reported in the literature in individuals affected with DHCR7-related conditions. This sequence change affects an acceptor splice site in intron 5 of the DHCR7 gene. It is expected to disrupt RNA splicing. Variants that disrupt the donor or acceptor splice site typically lead to a loss of protein function (PMID: 16199547), and loss-of-function variants in DHCR7 are known to be pathogenic (PMID: 9634533, 10677299).

Counsyl
Classification: Likely pathogenic for Smith-Lemli-Opitz syndrome. Last evaluated: 2017-11-05. Review status: no assertion criteria provided. Collection method: clinical testing. Allele origin: unknown. Not counted in ClinVar's aggregate classification.

Literature cited by the submitters: PubMed 16199547 (cited by Labcorp Genetics (formerly Invitae), Labcorp); PubMed 9634533 (cited by Labcorp Genetics (formerly Invitae), Labcorp); PubMed 10677299 (cited by Labcorp Genetics (formerly Invitae), Labcorp).

NM_001360.3(DHCR7):c.413-2A>G

Gene: DHCR7 (7-dehydrocholesterol reductase; minus strand). Cytogenetic location: 11q13.4.
Variant type: single nucleotide variant.
Coding change: c.413-2A>G on transcript NM_001360.3 (MANE Select); the canonical splice acceptor site of the intron before coding-DNA position 413, A replaced by G.
Molecular consequence: splice acceptor variant.
Genome position (GRCh38, 1-based): chr11:71,441,442, T>C on the plus strand (A>G on the coding strand, the complement: DHCR7 is on the minus strand). VCF-style: chr11-71441442-T-C. GRCh37 (hg19) VCF-style: chr11-71152488-T-C.
Other names: c.413-2A>G (NM_001163817.2).
Identifiers: ClinVar variation 549919 (VCV000549919.15), dbSNP rs775575609, ClinGen allele CA6162564.